The following is an entry in ClinVar:

ClinVar aggregate classification (germline): Pathogenic (1 of 4 stars; one submission).

Conditions:
Ataxia-telangiectasia syndrome (AT). Also called: ATAXIA-TELANGIECTASIA, COMPLEMENTATION GROUP A; ATAXIA-TELANGIECTASIA, FRESNO VARIANT; Ataxia-telangiectasia; LOUIS-BAR SYNDROME; Cerebello-oculocutaneous telangiectasia; Immunodeficiency with ataxia telangiectasia. Identifiers: Orphanet 100, MedGen C0004135, MONDO:0008840, OMIM 208900.

Submission:

Labcorp Genetics (formerly Invitae), Labcorp
Classification: Pathogenic for Ataxia-telangiectasia syndrome. Last evaluated: 2025-08-13. Review status: criteria provided, single submitter. Criteria: Invitae Variant Classification Sherloc (09022015). Collection method: clinical testing. Allele origin: germline.
Comment: This sequence change creates a premature translational stop signal (p.Phe1390Cysfs*14) in the ATM gene. It is expected to result in an absent or disrupted protein product. Loss-of-function variants in ATM are known to be pathogenic (PMID: 23807571, 25614872). This variant is not present in population databases (gnomAD no frequency). This variant has not been reported in the literature in individuals affected with ATM-related conditions. For these reasons, this variant has been classified as Pathogenic.

Literature cited by the submitters: PubMed 23807571; PubMed 25614872.

NM_000051.4(ATM):c.4168_4169insGCTTTATATCAGCAAT (p.Phe1390fs)

Gene: ATM (ATM serine/threonine kinase; plus strand). Cytogenetic location: 11q22.3.
Variant type: Insertion.
Coding change: c.4168_4169insGCTTTATATCAGCAAT on transcript NM_000051.4 (MANE Select); coding-DNA positions 4168 to 4169, GCTTTATATCAGCAAT inserted.
Protein change: p.Phe1390fs; shifts the reading frame from phenylalanine 1390.
Molecular consequence: frameshift variant.
Genome position: GRCh38 VCF-style: chr11-108289033-C-CATGCTTTATATCAGCA. GRCh37 (hg19) VCF-style: chr11-108159760-C-CATGCTTTATATCAGCA.
Other names: c.4168_4169insGCTTTATATCAGCAAT, p.Phe1390fs (NM_001351834.2); short protein forms F1390fs.
Identifiers: ClinVar variation 4725403 (VCV004725403.1).